The following is an entry in ClinVar:

NM_001326342.2(CELF2):c.709C>T (p.Gln237Ter)

Gene: CELF2 (CUGBP Elav-like family member 2; plus strand). Cytogenetic location: 10p14.
Variant type: single nucleotide variant.
Coding change: c.709C>T on transcript NM_001326342.2 (MANE Select); coding-DNA position 709, C replaced by T.
Protein change: p.Gln237Ter; replaces glutamine 237 with a stop codon.
Molecular consequence: nonsense.
Genome position (GRCh38, 1-based): chr10:11,270,756, C>T. VCF-style: chr10-11270756-C-T. GRCh37 (hg19) VCF-style: chr10-11312719-C-T.
Other names: c.616C>T, p.Gln206Ter (NM_001025076.2, NM_001083591.1, NM_001326317.2 and 14 more transcripts); c.688C>T, p.Gln230Ter (NM_001025077.3, NM_001326331.2, NM_001326332.2 and 3 more transcripts); c.781C>T, p.Gln261Ter (NM_001326325.2); c.724C>T, p.Gln242Ter (NM_001326326.2, NM_001326327.2); c.4C>T, p.Gln2Ter (NM_001326333.2, NM_001326346.2); c.355C>T, p.Gln119Ter (NM_001326338.2, NM_001326339.2); c.709C>T (NM_001326342.1); c.709C>T, p.Gln237Ter (NM_001326340.2, NM_001326341.2, NM_001326343.2 and 1 more transcripts); and 1 more; short protein forms Q119*, Q2*, Q206*, Q214*, Q230*, Q237*, Q242*, Q261*.
Identifiers: ClinVar variation 1175765 (VCV001175765.40), dbSNP rs2138616482, ClinGen allele CA375969083.

ClinVar aggregate classification (germline): Pathogenic/Likely pathogenic. Review status: criteria provided, multiple submitters, no conflicts (2 of 4 stars). 3 submissions from 3 submitters: Pathogenic (1); Likely pathogenic (2). Last evaluated 2025-09-22.

Conditions:
Developmental and epileptic encephalopathy 97 (DEE97). Identifiers: MedGen C5561999, MONDO:0030453, OMIM 619561.
Neurodevelopmental disorder. Identifiers: MedGen C1535926, MeSH D065886, MONDO:0700092.

Submissions (3):

Victorian Clinical Genetics Services, Murdoch Childrens Research Institute
Classification: Likely pathogenic for Neurodevelopmental disorder. Last evaluated: 2025-09-22. Review status: criteria provided, single submitter. Criteria: ACMG Guidelines, 2015. Collection method: clinical testing. Allele origin: germline. Affected: yes.
Comment: This variant is classified as Likely pathogenic. Evidence in support of pathogenic classification: Variant is predicted to cause nonsense-mediated decay (NMD) and loss of protein (premature termination codon is located at least 54 nucleotides upstream of the final exon-exon junction); Variant is absent from gnomAD (v2, v3 and v4); This variant has moderate previous evidence of pathogenicity in unrelated individuals. This variant has been classified as pathogenic or likely pathogenic by clinical laboratories in ClinVar, one of whom reported the variant as de novo in an individual with developmental delay and autistic/aggressive behaviour (personal communication). - Other NMD-predicted variant(s) comparable to the one identified in this case have strong previous evidence for pathogenicity. These variants have been classified as pathogenic or likely pathogenic by clinical laboratories in ClinVar, and/or reported in individuals with a neurodevelopmental disorder (PMID: 40666314). Some NMD-predicted variants have also been classified as VUS by clinical laboratories in ClinVar. Additional information: This variant is heterozygous; This gene is associated with autosomal dominant disease; No published segregation evidence has been identified for this variant; No comparable NMD variants have previous evidence for pathogenicity; Loss of function and gain of function are suspected mechanisms of disease in this gene. Loss of function is the suspected mechanism for premature termination codon variants and is associated with neurodevelopmental disorder (MONDO:0700092), CELF2-related without seizures. Gain of function is the suspected mechanism for missense variants and is associated with developmental and epileptic encephalopathy 97 (MIM#619561) (PMIDs: 33131106, 40666314).

Genetics Laboratory, UDIAT-Centre Diagnòstic, Hospital Universitari Parc Tauli
Classification: Pathogenic for Developmental and epileptic encephalopathy 97. Last evaluated: 2022-10-04. Review status: criteria provided, single submitter. Criteria: Parc Tauli Hospital Assertion Criteria 2021. Collection method: clinical testing. Allele origin: de novo. Inheritance: Autosomal dominant inheritance. Affected: yes.
Comment: PVS1;PM2_supporting;PM6

CeGaT Center for Human Genetics Tuebingen
Classification: Likely pathogenic. Last evaluated: 2021-06-01. Review status: criteria provided, single submitter. Criteria: CeGaT Center For Human Genetics Tuebingen Variant Classification Criteria Version 2. Collection method: clinical testing. Allele origin: germline. Affected: yes. Observed: 1 variant allele.

Literature cited by the submitters: PubMed 40666314 (cited by Victorian Clinical Genetics Services, Murdoch Childrens Research Institute); PubMed 33131106 (cited by Victorian Clinical Genetics Services, Murdoch Childrens Research Institute).